The following is an entry in ClinVar:

ClinVar aggregate classification (germline): Benign. Review status: criteria provided, single submitter (1 of 4 stars). 2 submissions from 2 submitters: Benign (1). 1 of the submissions does not count toward it. Last evaluated 2026-01-26.

Conditions:
ITGAM-related disorder. Also called: ITGAM-related condition.

Allele frequency attached by ClinVar (database versions not stated): gnomAD 0.00034 and 0.00044; TOPMed 0.00063; gnomAD exomes 0.00104; ExAC 0.00111; 1000 Genomes Project 30x 0.00156; 1000 Genomes Project 0.00180.

Submissions (2):

Labcorp Genetics (formerly Invitae), Labcorp
Classification: Benign. Last evaluated: 2026-01-26. Review status: criteria provided, single submitter. Criteria: Invitae Variant Classification Sherloc (09022015). Collection method: clinical testing. Allele origin: germline.

PreventionGenetics, part of Exact Sciences
Classification: Likely benign for ITGAM-related condition. Last evaluated: 2023-09-19. Review status: no assertion criteria provided. Collection method: clinical testing. Allele origin: germline. Not counted in ClinVar's aggregate classification.
Comment: This variant is classified as likely benign based on ACMG/AMP sequence variant interpretation guidelines (Richards et al. 2015 PMID: 25741868, with internal and published modifications).

NM_000632.4(ITGAM):c.3213G>C (p.Glu1071Asp)

Gene: ITGAM (integrin subunit alpha M; plus strand). Cytogenetic location: 16p11.2.
Variant type: single nucleotide variant.
Coding change: c.3213G>C on transcript NM_000632.4 (MANE Select); coding-DNA position 3213, G replaced by C.
Protein change: p.Glu1071Asp; replaces glutamic acid 1071 with aspartic acid.
Molecular consequence: missense variant.
Genome position (GRCh38, 1-based): chr16:31,330,542, G>C. VCF-style: chr16-31330542-G-C. GRCh37 (hg19) VCF-style: chr16-31341863-G-C.
Other names: c.3216G>C, p.Glu1072Asp (NM_001145808.2); c.3213G>C (NM_000632.3); short protein forms E1071D, E1072D.
Identifiers: ClinVar variation 1559888 (VCV001559888.10), dbSNP rs140927329, ClinGen allele CA8026120.